The following is an entry in ClinVar:

ClinVar aggregate classification (germline): Uncertain significance (1 of 4 stars; one submission).

Allele frequency attached by ClinVar (database versions not stated): ExAC 0.00001; TOPMed 0.00001.
gnomAD v4.1: 3 of 1,613,960 alleles (0.00019%); highest among the groups gnomAD compares: African/African-American, 0.004%; no homozygotes.

Submission:

Labcorp Genetics (formerly Invitae), Labcorp
Classification: Uncertain significance. Last evaluated: 2022-08-23. Review status: criteria provided, single submitter. Criteria: Invitae Variant Classification Sherloc (09022015). Collection method: clinical testing. Allele origin: germline.
Comment: In summary, the available evidence is currently insufficient to determine the role of this variant in disease. Therefore, it has been classified as a Variant of Uncertain Significance. Algorithms developed to predict the effect of sequence changes on RNA splicing suggest that this variant may create or strengthen a splice site. ClinVar contains an entry for this variant (Variation ID: 1063443). This variant has not been reported in the literature in individuals affected with CNTNAP1-related conditions. This variant is present in population databases (rs751141752, gnomAD 0.007%). This sequence change affects codon 792 of the CNTNAP1 mRNA. It is a 'silent' change, meaning that it does not change the encoded amino acid sequence of the CNTNAP1 protein.

NM_003632.3(CNTNAP1):c.2376C>A (p.Thr792=)

Gene: CNTNAP1 (contactin associated protein 1; plus strand). Cytogenetic location: 17q21.2.
Variant type: single nucleotide variant.
Coding change: c.2376C>A on transcript NM_003632.3 (MANE Select); coding-DNA position 2376, C replaced by A.
Protein change: p.Thr792=; no amino-acid change (threonine 792 retained).
Molecular consequence: synonymous variant.
Genome position (GRCh38, 1-based): chr17:42,691,837, C>A. VCF-style: chr17-42691837-C-A. GRCh37 (hg19) VCF-style: chr17-40843855-C-A.
Identifiers: ClinVar variation 1063443 (VCV001063443.9), dbSNP rs751141752, ClinGen allele CA8582041.